The following is an entry in ClinVar:

NM_006206.6(PDGFRA):c.931+5del

Gene: PDGFRA (platelet derived growth factor receptor alpha; plus strand). Cytogenetic location: 4q12.
Variant type: Deletion.
Coding change: c.931+5del on transcript NM_006206.6 (MANE Select); 5 bases into the intron after coding-DNA position 931, one base deleted (A; older notation c.931+5delA).
Molecular consequence: intron variant.
Genome position (GRCh38, 1-based): chr4:54,267,465, A deleted. VCF-style (leftmost placement, unchanged base first): chr4-54267464-CA-C. GRCh37 (hg19) VCF-style: chr4-55133631-CA-C.
Other names: c.1006+5del (NM_001347828.2); c.931+5del (NM_001347827.2, NM_001347829.2); c.970+5del (NM_001347830.2).
Identifiers: ClinVar variation 5026459 (VCV005026459.1).

ClinVar aggregate classification (germline): Uncertain significance (1 of 4 stars; one submission).

Conditions:
Hereditary cancer-predisposing syndrome. Also called: Neoplastic Syndromes, Hereditary; Tumor predisposition; Hereditary neoplastic syndrome; Hereditary Cancer Syndrome. Identifiers: Orphanet 140162, MedGen C0027672, MeSH D009386, MONDO:0015356.

Submission:

Ambry Genetics
Classification: Uncertain significance for Hereditary cancer-predisposing syndrome. Last evaluated: 2026-09-10. Review status: criteria provided, single submitter. Criteria: Ambry Variant Classification Scheme 2023. Collection method: clinical testing. Allele origin: germline.
Comment: The c.931+5delA intronic variant is located 5 nucleotides after coding exon 5 of the PDGFRA gene. This variant results from a deletion of one nucleotide at position c.931+5. This nucleotide position is not well conserved in available vertebrate species. In silico splice site analysis for this alteration is inconclusive. Based on the available evidence, the clinical significance of this variant remains unclear.